The following is an entry in ClinVar:

ClinVar aggregate classification (germline): Conflicting classifications of pathogenicity. Review status: criteria provided, conflicting classifications (1 of 4 stars). 24 submissions from 20 submitters: Uncertain significance (4); Benign (7); Likely benign (8). 5 of the submissions do not count toward it. Last evaluated 2026-09-01.

Conditions:
TTN-related disorder. Also called: TTN-related disorders; TTN-related condition; TTN-related disease.
Cardiovascular phenotype. Identifiers: MedGen CN230736.
Autosomal recessive limb-girdle muscular dystrophy type 2J (LGMDR10). Also called: Limb-girdle muscular dystrophy, type 2J; MUSCULAR DYSTROPHY, LIMB-GIRDLE, AUTOSOMAL RECESSIVE 10. Identifiers: Orphanet 140922, MedGen C1837342, MONDO:0012127, OMIM 608807.
Dilated cardiomyopathy 1G (CMD1G). Identifiers: Orphanet 154, MedGen C1858763, MONDO:0011400, OMIM 604145.
Cardiomyopathy (CMYO). Also called: Cardiomyopathies. Identifiers: Orphanet 167848, MedGen C0878544, MONDO:0004994, HP:0001638. Inheritance: Various modes of inheritance.
Early-onset myopathy with fatal cardiomyopathy (CMYO5). Also called: Salih Myopathy; CONGENITAL MYOPATHY 5 WITH CARDIOMYOPATHY. Identifiers: Orphanet 289377, MedGen C2673677, MONDO:0012714, OMIM 611705. Disease mechanism: loss of function.
Myopathy, myofibrillar, 9, with early respiratory failure (MFM9). Also called: Myopathy, distal, with early respiratory failure, autosomal dominant; EDSTROM MYOPATHY; MYOPATHY, PROXIMAL, WITH EARLY RESPIRATORY MUSCLE INVOLVEMENT; Hereditary myopathy with early respiratory failure. Identifiers: Orphanet 178464, Orphanet 34521, MedGen C1863599, MONDO:0011362, OMIM 603689.
Tibial muscular dystrophy (TMD). Also called: Udd Distal Myopathy – Tibial Muscular Dystrophy; UDD MYOPATHY; Tibial muscular dystrophy, tardive. Identifiers: Orphanet 609, MedGen C1838244, MONDO:0010870, OMIM 600334.

Allele frequency attached by ClinVar (database versions not stated): ESP Exome Variant Server 0.00025; TOPMed 0.00034; ExAC 0.00041; gnomAD 0.00041; gnomAD exomes 0.00049 and 0.00061.
gnomAD v4.1: 956 of 1,613,266 alleles (0.059%); highest among the groups gnomAD compares: Middle Eastern, 0.13%; 1 homozygote.

Submissions (24):

CeGaT Center for Human Genetics Tuebingen
Classification: Likely benign. Last evaluated: 2026-09-01. Review status: criteria provided, single submitter. Criteria: CeGaT Center For Human Genetics Tuebingen Variant Classification Criteria Version 2. Collection method: clinical testing. Allele origin: germline. Affected: yes. Observed: 8 variant alleles.
Comment: TTN: PM2:Supporting, BS2

Mayo Clinic Laboratories, Mayo Clinic
Classification: Likely benign. Last evaluated: 2025-06-24. Review status: criteria provided, single submitter. Criteria: ACMG Guidelines, 2015. Collection method: clinical testing. Allele origin: germline. Observed: 2 variant alleles.

Molecular Diagnostic Laboratory for Inherited Cardiovascular Disease, Montreal Heart Institute
Classification: Likely benign. Last evaluated: 2025-04-09. Review status: criteria provided, single submitter. Criteria: ACMG Guidelines, 2015. Collection method: clinical testing. Allele origin: germline. Affected: no.

PreventionGenetics, part of Exact Sciences
Classification: Likely benign for TTN-related condition. Last evaluated: 2025-02-18. Review status: criteria provided, single submitter. Criteria: ACMG Guidelines, 2015. Collection method: clinical testing. Allele origin: germline.
Comment: This variant is classified as likely benign based on ACMG/AMP sequence variant interpretation guidelines (Richards et al. 2015 PMID: 25741868, with internal and published modifications).

Blueprint Genetics
Classification: Likely benign. Last evaluated: 2024-10-11. Review status: criteria provided, single submitter. Criteria: ACMG Guidelines, 2015. Collection method: clinical testing. Allele origin: germline.

Athena Diagnostics
Classification: Benign. Last evaluated: 2024-07-05. Review status: criteria provided, single submitter. Criteria: Athena Diagnostics Criteria. Collection method: clinical testing. Allele origin: unknown.

Women's Health and Genetics/Laboratory Corporation of America, LabCorp
Classification: Benign. Last evaluated: 2024-03-12. Review status: criteria provided, single submitter. Criteria: LabCorp Variant Classification Summary - May 2015. Collection method: clinical testing. Allele origin: germline.
Comment: Variant summary: TTN c.63332G>A (p.Arg21111Lys) results in a conservative amino acid change in the encoded protein sequence. Two of four in-silico tools predict a benign effect of the variant on protein function. The variant allele was found at a frequency of 0.00059 in 1606300 control chromosomes in the gnomAD database, including 1 homozygote. The observed variant frequency is approximately 1.5-fold of the estimated maximal expected allele frequency for a pathogenic variant in TTN causing Dilated Cardiomyopathy phenotype (0.00039), strongly suggesting that the variant is benign. To our knowledge, no occurrence of c.63332G>A in individuals affected with Dilated Cardiomyopathy and no experimental evidence demonstrating its impact on protein function have been reported. ClinVar contains an entry for this variant (Variation ID: 192159). Based on the evidence outlined above, the variant was classified as benign.

Ambry Genetics
Classification: Benign for Cardiovascular phenotype. Last evaluated: 2020-08-10. Review status: criteria provided, single submitter. Criteria: Ambry Variant Classification Scheme 2023. Collection method: clinical testing. Allele origin: germline.

Laboratory for Molecular Medicine, Mass General Brigham Personalized Medicine
Classification: Benign. Last evaluated: 2019-10-24. Review status: criteria provided, single submitter. Criteria: LMM Criteria. Collection method: clinical testing. Allele origin: germline. Observed: 2 variant alleles.
Comment: proposed classification - variant undergoing re-assessment, contact laboratory

GeneDx
Classification: Likely benign. Last evaluated: 2017-12-21. Review status: criteria provided, single submitter. Criteria: GeneDx Variant Classification (06012015). Collection method: clinical testing. Allele origin: germline. Affected: yes.
Comment: This variant is considered likely benign or benign based on one or more of the following criteria: it is a conservative change, it occurs at a poorly conserved position in the protein, it is predicted to be benign by multiple in silico algorithms, and/or has population frequency not consistent with disease.

Labcorp Genetics (formerly Invitae), Labcorp
Classification: Uncertain significance for Dilated cardiomyopathy 1G; Autosomal recessive limb-girdle muscular dystrophy type 2J. Last evaluated: 2017-12-07. Review status: criteria provided, single submitter. Criteria: Invitae Variant Classification Sherloc (09022015). Collection method: clinical testing. Allele origin: germline.

Eurofins Ntd Llc (ga)
Classification: Likely benign. Last evaluated: 2017-11-07. Review status: criteria provided, single submitter. Criteria: EGL Classification Definitions 2015. Collection method: clinical testing. Allele origin: germline. Observed: 5 variant alleles, 5 heterozygotes.

CHEO Genetics Diagnostic Laboratory, Children's Hospital of Eastern Ontario
Classification: Benign for Cardiomyopathy. Last evaluated: 2017-10-30. Review status: criteria provided, single submitter. Criteria: ACMG Guidelines, 2015. Collection method: clinical testing. Allele origin: germline. Study: Canadian Open Genetics Repository.

Illumina Laboratory Services, Illumina
Classification: Uncertain significance for Autosomal recessive limb-girdle muscular dystrophy type 2J. Last evaluated: 2017-04-27. Review status: criteria provided, single submitter. Criteria: ICSL Variant Classification Criteria 13 December 2019. Collection method: clinical testing. Allele origin: germline.
Comment: This variant was observed as part of a predisposition screen in an ostensibly healthy population. A literature search was performed for the gene, cDNA change, and amino acid change (where applicable). Publications were found based on this search. However, the evidence from the literature, in combination with allele frequency data from public databases where available, was not sufficient to rule this variant in or out of causing disease. Therefore, this variant is classified as a variant of unknown significance.

Illumina Laboratory Services, Illumina
Classification: Benign for Tibial muscular dystrophy. Last evaluated: 2017-04-27. Review status: criteria provided, single submitter. Criteria: ICSL Variant Classification Criteria 13 December 2019. Collection method: clinical testing. Allele origin: germline.
Comment: This variant was observed as part of a predisposition screen in an ostensibly healthy population. A literature search was performed for the gene, cDNA change, and amino acid change (where applicable). No publications were found based on this search. Allele frequency data from public databases was too high to be consistent with this variant causing disease. Therefore, this variant is classified as benign.

Illumina Laboratory Services, Illumina
Classification: Uncertain significance for Dilated cardiomyopathy 1G. Last evaluated: 2017-04-27. Review status: criteria provided, single submitter. Criteria: ICSL Variant Classification Criteria 13 December 2019. Collection method: clinical testing. Allele origin: germline.

Illumina Laboratory Services, Illumina
Classification: Benign for Myopathy, myofibrillar, 9, with early respiratory failure. Last evaluated: 2017-04-27. Review status: criteria provided, single submitter. Criteria: ICSL Variant Classification Criteria 13 December 2019. Collection method: clinical testing. Allele origin: germline.
Comment: the same text as in the submission from Illumina Laboratory Services, Illumina above.

Illumina Laboratory Services, Illumina
Classification: Uncertain significance for Early-onset myopathy with fatal cardiomyopathy. Last evaluated: 2017-04-27. Review status: criteria provided, single submitter. Criteria: ICSL Variant Classification Criteria 13 December 2019. Collection method: clinical testing. Allele origin: germline.

Biesecker Lab/Clinical Genomics Section, National Institutes of Health
Classification: Likely benign. Last evaluated: 2013-06-24. Review status: criteria provided, single submitter. Criteria: Ng et al. (Circ Cardiovasc Genet. 2013). Collection method: research. Allele origin: unknown. Observed: 2 variant alleles. Study: ClinSeq.
Comment: The study set was not selected for affection status in relation to any cancer. Pathogenicity categories were based on literature curation. See Pubmed ID:23861362 for details.

Medical sequencing

Clinical Genetics DNA and cytogenetics Diagnostics Lab, Erasmus MC, Erasmus Medical Center
Classification: Likely benign. Review status: no assertion criteria provided. Collection method: clinical testing. Allele origin: germline. Affected: yes. Study: VKGL Data-share Consensus. Not counted in ClinVar's aggregate classification.

Clinical Genetics, Academic Medical Center
Classification: Benign. Review status: no assertion criteria provided. Collection method: clinical testing. Allele origin: germline. Affected: yes. Study: VKGL Data-share Consensus. Not counted in ClinVar's aggregate classification.

Diagnostic Laboratory, Department of Genetics, University Medical Center Groningen
Classification: Likely benign. Review status: no assertion criteria provided. Collection method: clinical testing. Allele origin: germline. Affected: yes. Study: VKGL Data-share Consensus. Not counted in ClinVar's aggregate classification.

Genome Diagnostics Laboratory, University Medical Center Utrecht
Classification: Benign. Review status: no assertion criteria provided. Collection method: clinical testing. Allele origin: germline. Affected: yes. Study: VKGL Data-share Consensus. Not counted in ClinVar's aggregate classification.

Joint Genome Diagnostic Labs from Nijmegen and Maastricht, Radboudumc and MUMC+
Classification: Benign. Review status: no assertion criteria provided. Collection method: clinical testing. Allele origin: germline. Affected: yes. Study: VKGL Data-share Consensus. Not counted in ClinVar's aggregate classification.

Literature cited by the submitters: PubMed 25556389 (cited by Athena Diagnostics and Illumina Laboratory Services, Illumina); PubMed 37904629 (cited by Athena Diagnostics); PubMed 31088516 (cited by Athena Diagnostics); PubMed 29590070 (cited by Athena Diagnostics); PubMed 29420653 (cited by Athena Diagnostics).

NM_001267550.2(TTN):c.71036G>A (p.Arg23679Lys)

Genes: TTN (titin; minus strand), TTN-AS1 (TTN antisense RNA 1; plus strand). Cytogenetic location: 2q31.2.
Variant type: single nucleotide variant.
Coding change: c.71036G>A on transcript NM_001267550.2 (MANE Select); coding-DNA position 71036, G replaced by A.
Protein change: p.Arg23679Lys; replaces arginine 23679 with lysine.
Molecular consequence: missense variant.
Genome position (GRCh38, 1-based): chr2:178,575,096, C>T on the plus strand (G>A on the coding strand, the complement: TTN is on the minus strand). VCF-style: chr2-178575096-C-T. GRCh37 (hg19) VCF-style: chr2-179439823-C-T.
Other names: p.R22038K:AGA>AAA; p.Arg22038Lys; c.44216G>A, p.Arg14739Lys (NM_133432.3); c.44417G>A, p.Arg14806Lys (NM_133437.4); c.66113G>A, p.Arg22038Lys (NM_001256850.1); c.43841G>A, p.Arg14614Lys (NM_003319.4); c.63332G>A, p.Arg21111Lys (NM_133378.4); short protein forms R21111K, R23679K, R22038K, R14614K, R14806K, R14739K.
Identifiers: ClinVar variation 192159 (VCV000192159.75), dbSNP rs200144345, ClinGen allele CA302622.
Genomic context (GRCh38, chr2:178,575,096, plus strand): 5'-CTTCTGACACACTCATTGATATTTAAAATGGTTGAAGTCGCTGTGGTTTCAAAATTAACT[C>T]TCTGTGTCTGTTTAAGAATTTGGTCTCCTTTTTTCCATGTCACTGTGGGCTTCGGTCGAC-3'
Protein context (NP_001254479.2, residues 23669-23689): KGDQILKQTQ[Arg23679Lys]VNFETTATST